The following is an entry in ClinVar:

ClinVar aggregate classification (germline): Likely pathogenic. Review status: criteria provided, single submitter (1 of 4 stars). 2 submissions from 2 submitters: Likely pathogenic (1). 1 of the submissions does not count toward it. Last evaluated 2026-04-27.

Conditions:
Hereditary cancer-predisposing syndrome. Also called: Hereditary Cancer Syndrome; Neoplastic Syndromes, Hereditary; Tumor predisposition; Hereditary neoplastic syndrome. Identifiers: Orphanet 140162, MedGen C0027672, MeSH D009386, MONDO:0015356.
Breast and/or ovarian cancer. Identifiers: MedGen CN221562.

Submissions (2):

Ambry Genetics
Classification: Likely pathogenic for Hereditary cancer-predisposing syndrome. Last evaluated: 2026-04-27. Review status: criteria provided, single submitter. Criteria: Ambry Variant Classification Scheme 2023. Collection method: clinical testing. Allele origin: germline.
Comment: The c.879delG variant, located in coding exon 9 of the RAD51D gene, results from a deletion of one nucleotide at nucleotide position 879, causing a translational frameshift with a predicted alternate stop codon (p.C294Vfs*16). This alteration occurs at the 3' terminus of theRAD51D gene, is not expected to trigger nonsense-mediated mRNA decay, and only impacts the last 10.6% of the protein. However, premature stop codons are typically deleterious in nature and the impacted region is critical for protein function (Ambry internal data). This variant was identified in 1 of 171 patients with ovarian cancer (Janatova M et al. PLoS One, 2015 Jun;10:e0127711). This variant is considered to be rare based on population cohorts in the Genome Aggregation Database (gnomAD). Based on the majority of available evidence to date, this variant is likely to be pathogenic.

CZECANCA consortium
Classification: Pathogenic for Breast and/or ovarian cancer. Last evaluated: 2019-06-11. Review status: no assertion criteria provided. Collection method: clinical testing. Allele origin: germline. Affected: yes. Observed: 1 variant allele. Not counted in ClinVar's aggregate classification.

Literature cited by the submitters: PubMed 26057125 (cited by Ambry Genetics); PubMed 32295079 (cited by CZECANCA consortium).

NM_002878.4(RAD51D):c.879del (p.Cys294fs)

Genes: RAD51D (RAD51 paralog D; minus strand), RAD51L3-RFFL (RAD51L3-RFFL readthrough; minus strand). Cytogenetic location: 17q12.
Variant type: Deletion.
Coding change: c.879del on transcript NM_002878.4 (MANE Select); coding-DNA position 879, one base deleted (G; older notation c.879delG).
Protein change: p.Cys294fs; shifts the reading frame from cysteine 294.
Molecular consequence: frameshift variant. On other transcripts: non-coding transcript variant (3).
Genome position (GRCh38, 1-based): chr17:35,101,225, C deleted on the plus strand (G on the coding strand, the reverse complement: RAD51D is on the minus strand). VCF-style (leftmost placement, unchanged base first): chr17-35101224-AC-A. GRCh37 (hg19) VCF-style: chr17-33428243-AC-A.
Other names: c.879delG (NM_002878.3); c.939delG (NM_001142571.2); c.939del, p.Cys314fs (NM_001142571.2); c.543del, p.Cys182fs (NM_133629.3); short protein forms C182fs, C294fs, C314fs.
Identifiers: ClinVar variation 989430 (VCV000989430.3), dbSNP rs2091532104, ClinGen allele CA1139665492.